The following is an entry in ClinVar:

ClinVar aggregate classification (germline): Conflicting classifications of pathogenicity. Review status: criteria provided, conflicting classifications (1 of 4 stars). 5 submissions from 5 submitters: Uncertain significance (2); Benign (1); Likely benign (1). 1 of the submissions does not count toward it. Last evaluated 2026-01-27.

Conditions:
STAT3 gain of function. Identifiers: MedGen C4288261.
Hyper-IgE recurrent infection syndrome 1, autosomal dominant. Also called: Job's Syndrome; JOB SYNDROME; STAT3 Hyper IgE Syndrome; Hyper-IgE recurrent infection syndrome 1; HYPER-IgE SYNDROME 1, AUTOSOMAL DOMINANT, WITH RECURRENT INFECTIONS. Identifiers: Orphanet 2314, MedGen C2936739, MONDO:0007818, OMIM 147060.
STAT3-related disorder. Also called: STAT3-related condition.

Allele frequency attached by ClinVar (database versions not stated): ExAC 0.00007; ESP Exome Variant Server 0.00008; gnomAD exomes 0.00008 and 0.00019; gnomAD 0.00010 and 0.00011; TOPMed 0.00012.
gnomAD v4.1: 282 of 1,614,102 alleles (0.017%); highest among the groups gnomAD compares: Non-Finnish European, 0.023%; no homozygotes.

Submissions (5):

Labcorp Genetics (formerly Invitae), Labcorp
Classification: Benign for STAT3 gain of function; Hyper-IgE recurrent infection syndrome 1, autosomal dominant. Last evaluated: 2026-01-27. Review status: criteria provided, single submitter. Criteria: Invitae Variant Classification Sherloc (09022015). Collection method: clinical testing. Allele origin: germline.

CeGaT Center for Human Genetics Tuebingen
Classification: Uncertain significance. Last evaluated: 2024-05-01. Review status: criteria provided, single submitter. Criteria: CeGaT Center For Human Genetics Tuebingen Variant Classification Criteria Version 2. Collection method: clinical testing. Allele origin: germline. Affected: yes. Observed: 1 variant allele.
Comment: STAT3: PP2

Genetic Services Laboratory, University of Chicago
Classification: Likely benign. Last evaluated: 2020-02-17. Review status: criteria provided, single submitter. Criteria: ACMG Guidelines, 2015. Collection method: clinical testing. Allele origin: germline. Affected: no.

Women's Health and Genetics/Laboratory Corporation of America, LabCorp
Classification: Uncertain significance. Last evaluated: 2018-06-07. Review status: criteria provided, single submitter. Criteria: LabCorp Variant Classification Summary - May 2015. Collection method: clinical testing. Allele origin: germline.

PreventionGenetics, part of Exact Sciences
Classification: Uncertain significance for STAT3-related condition. Last evaluated: 2024-05-20. Review status: no assertion criteria provided. Collection method: clinical testing. Allele origin: germline. Not counted in ClinVar's aggregate classification.
Comment: The STAT3 c.2082T>A variant is predicted to result in the amino acid substitution p.His694Gln. To our knowledge, this variant has not been reported in the literature. This variant is reported in 0.015% of alleles in individuals of European (Non-Finnish) descent in gnomAD. At this time, the clinical significance of this variant is uncertain due to the absence of conclusive functional and genetic evidence.

Literature cited by the submitters: PubMed 29296824 (cited by Women's Health and Genetics/Laboratory Corporation of America, LabCorp).

NM_139276.3(STAT3):c.2082T>A (p.His694Gln)

Gene: STAT3 (signal transducer and activator of transcription 3; minus strand). Cytogenetic location: 17q21.2.
Variant type: single nucleotide variant.
Coding change: c.2082T>A on transcript NM_139276.3 (MANE Select); coding-DNA position 2082, T replaced by A.
Protein change: p.His694Gln; replaces histidine 694 with glutamine.
Molecular consequence: missense variant.
Genome position (GRCh38, 1-based): chr17:42,322,301, A>T on the plus strand (T>A on the coding strand, the complement: STAT3 is on the minus strand). VCF-style: chr17-42322301-A-T. GRCh37 (hg19) VCF-style: chr17-40474319-A-T.
Other names: c.2082T>A, p.His694Gln (NM_001369512.1, NM_001369513.1, NM_001369514.1 and 9 more transcripts); c.1998T>A, p.His666Gln (NM_001384984.1); c.2004T>A, p.His668Gln (NM_001384985.1); c.2097T>A, p.His699Gln (NM_001384986.1, NM_001384990.1); c.2061T>A, p.His687Gln (NM_001384987.1); c.1986T>A, p.His662Gln (NM_001384989.1); c.2055T>A, p.His685Gln (NM_001384991.1); c.2022T>A, p.His674Gln (NM_001384992.1); short protein forms H694Q, H668Q, H674Q, H685Q, H687Q, H699Q, H662Q, H666Q.
Identifiers: ClinVar variation 633187 (VCV000633187.32), dbSNP rs139701269, ClinGen allele CA8575172.